The following is an entry in ClinVar:

ClinVar aggregate classification (germline): Likely benign (1 of 4 stars; one submission).

Conditions:
Agenesis of the corpus callosum with peripheral neuropathy (ACCPN). Also called: CHARLEVOIX DISEASE; POLYNEUROPATHY, SENSORIMOTOR, WITH OR WITHOUT AGENESIS OF THE CORPUS CALLOSUM; HMSN/ACC; Hereditary Motor and Sensory Neuropathy with Agenesis of the Corpus Callosum. Identifiers: Orphanet 1496, MedGen C0795950, MONDO:0000902, OMIM 218000. Disease mechanism: loss of function.

Allele frequency attached by ClinVar (database versions not stated): gnomAD 0.01051 and 0.01112; TOPMed 0.01196; 1000 Genomes Project 30x 0.01546; 1000 Genomes Project 0.01577.

Submission:

Illumina Laboratory Services, Illumina
Classification: Likely benign for Agenesis of the corpus callosum with peripheral neuropathy. Last evaluated: 2017-04-27. Review status: criteria provided, single submitter. Criteria: ICSL Variant Classification Criteria 13 December 2019. Collection method: clinical testing. Allele origin: germline.
Comment: This variant was observed as part of a predisposition screen in an ostensibly healthy population. A literature search was performed for the gene, cDNA change, and amino acid change (where applicable). No publications were found based on this search. Allele frequency data from public databases allowed determination this variant is unlikely to cause disease. Therefore, this variant is classified as likely benign.

NM_001365088.1(SLC12A6):c.*1357C>T

Gene: SLC12A6 (solute carrier family 12 member 6; minus strand). Cytogenetic location: 15q14.
Variant type: single nucleotide variant.
Coding change: c.*1357C>T on transcript NM_001365088.1 (MANE Select); 1357 bases downstream of the stop codon, C replaced by T.
Molecular consequence: 3 prime UTR variant.
Genome position (GRCh38, 1-based): chr15:34,232,524, G>A on the plus strand (C>T on the coding strand, the complement: SLC12A6 is on the minus strand). VCF-style: chr15-34232524-G-A. GRCh37 (hg19) VCF-style: chr15-34524725-G-A.
Other names: c.*1357C>T (NM_001042494.2, NM_001042495.2, NM_001042496.2 and 3 more transcripts).
Identifiers: ClinVar variation 315588 (VCV000315588.5), dbSNP rs116076857, ClinGen allele CA10641581.